The following is an entry in ClinVar:

NM_001018055.3(BRCC3):c.605T>C (p.Val202Ala)

Gene: BRCC3 (BRCA1/BRCA2-containing complex subunit 3; plus strand). Cytogenetic location: Xq28.
Variant type: single nucleotide variant.
Coding change: c.605T>C on transcript NM_001018055.3 (MANE Select); coding-DNA position 605, T replaced by C.
Protein change: p.Val202Ala; replaces valine 202 with alanine.
Molecular consequence: missense variant.
Genome position (GRCh38, 1-based): chrX:155,116,113, T>C. VCF-style: chrX-155116113-T-C. GRCh37 (hg19) VCF-style: chrX-154344388-T-C.
Other names: c.608T>C, p.Val203Ala (NM_001242640.2); c.680T>C, p.Val227Ala (NM_024332.4); c.680T>C (NM_024332.3); short protein forms V202A, V203A, V227A.
Identifiers: ClinVar variation 2661874 (VCV002661874.25), dbSNP rs1315664954, ClinGen allele CA414932091.

ClinVar aggregate classification (germline): Uncertain significance. Review status: criteria provided, multiple submitters, no conflicts (2 of 4 stars). 2 submissions from 2 submitters: Uncertain significance (2). Last evaluated 2024-04-23.

Allele frequency attached by ClinVar (database versions not stated): TOPMed 0.00002; gnomAD 0.00005; gnomAD exomes 0.00010.
gnomAD v4.1: 110 of 1,206,226 alleles (0.0091%); highest among the groups gnomAD compares: Non-Finnish European, 0.012%; no homozygotes.

Submissions (2):

Ambry Genetics
Classification: Uncertain significance. Last evaluated: 2024-04-23. Review status: criteria provided, single submitter. Criteria: Ambry Variant Classification Scheme 2023. Collection method: clinical testing. Allele origin: germline.

CeGaT Center for Human Genetics Tuebingen
Classification: Uncertain significance. Last evaluated: 2023-04-01. Review status: criteria provided, single submitter. Criteria: CeGaT Center For Human Genetics Tuebingen Variant Classification Criteria Version 2. Collection method: clinical testing. Allele origin: germline. Affected: yes. Observed: 1 variant allele.
Comment: BRCC3: PM2